The following is an entry in ClinVar:

ClinVar aggregate classification (germline): Uncertain significance (1 of 4 stars; one submission).

Submission:

GeneDx
Classification: Uncertain significance. Last evaluated: 2024-01-10. Review status: criteria provided, single submitter. Criteria: GeneDx Variant Classification Process June 2021. Collection method: clinical testing. Allele origin: germline. Affected: yes.
Comment: Not observed at significant frequency in large population cohorts (gnomAD); Nonsense variant predicted to result in protein truncation as the last 60 amino acids are lost, although loss-of-function variants have not been reported downstream of this position in the protein; Has not been previously published as pathogenic or benign to our knowledge

NM_003620.4(PPM1D):c.1636del (p.Pro545_Leu546insTer)

Gene: PPM1D (protein phosphatase, Mg2+/Mn2+ dependent 1D; plus strand). Cytogenetic location: 17q23.2.
Variant type: Deletion.
Coding change: c.1636del on transcript NM_003620.4 (MANE Select); coding-DNA position 1636, one base deleted (C; older notation c.1636delC).
Protein change: p.Pro545_Leu546insTer.
Molecular consequence: nonsense. On other transcripts: frameshift variant (1).
Genome position (GRCh38, 1-based): chr17:60,663,370, C deleted; the last of 5 consecutive C bases (chr17:60,663,366-60,663,370); deleting any one gives the same sequence. VCF-style (leftmost placement, unchanged base first): chr17-60663365-GC-G. GRCh37 (hg19) VCF-style: chr17-58740726-GC-G.
Other names: c.1636delC, p.Leu546Terfs (NM_003620.3).
Identifiers: ClinVar variation 1707213 (VCV001707213.3), dbSNP rs1194694298, ClinGen allele CA2576343529.